The following is an entry in ClinVar:

ClinVar aggregate classification (germline): Likely benign (1 of 4 stars; one submission).

Allele frequency attached by ClinVar (database versions not stated): 1000 Genomes Project 0.00280; 1000 Genomes Project 30x 0.00281; TOPMed 0.00398; ESP Exome Variant Server 0.00461; gnomAD 0.00583; ExAC 0.00781.
gnomAD v4.1: 9,170 of 1,614,100 alleles (0.57%); highest among the groups gnomAD compares: Middle Eastern, 0.69%; 82 homozygotes.

Submission:

CeGaT Center for Human Genetics Tuebingen
Classification: Likely benign. Last evaluated: 2023-03-01. Review status: criteria provided, single submitter. Criteria: CeGaT Center For Human Genetics Tuebingen Variant Classification Criteria Version 2. Collection method: clinical testing. Allele origin: germline. Affected: yes. Observed: 1 variant allele.
Comment: CNTRL: BP4, BS2

NM_007018.6(CNTRL):c.5809G>A (p.Glu1937Lys)

Gene: CNTRL (centriolin; plus strand). Cytogenetic location: 9q33.2.
Variant type: single nucleotide variant.
Coding change: c.5809G>A on transcript NM_007018.6 (MANE Select); coding-DNA position 5809, G replaced by A.
Protein change: p.Glu1937Lys; replaces glutamic acid 1937 with lysine.
Molecular consequence: missense variant.
Genome position (GRCh38, 1-based): chr9:121,167,642, G>A. VCF-style: chr9-121167642-G-A. GRCh37 (hg19) VCF-style: chr9-123929920-G-A.
Other names: c.4153G>A, p.Glu1385Lys (NM_001330762.2, NM_001369892.1); short protein forms E1385K, E1937K.
Identifiers: ClinVar variation 2659475 (VCV002659475.24), dbSNP rs145379701, ClinGen allele CA5220085.